The following is an entry in ClinVar:

NM_001369268.1(ACAN):c.3129C>T (p.Ala1043=)

Gene: ACAN (aggrecan; plus strand). Cytogenetic location: 15q26.1.
Variant type: single nucleotide variant.
Coding change: c.3129C>T on transcript NM_001369268.1 (MANE Select); coding-DNA position 3129, C replaced by T.
Protein change: p.Ala1043=; no amino-acid change (alanine 1043 retained).
Molecular consequence: synonymous variant.
Genome position (GRCh38, 1-based): chr15:88,855,714, C>T. VCF-style: chr15-88855714-C-T. GRCh37 (hg19) VCF-style: chr15-89398945-C-T.
Other names: c.3129C>T, p.Ala1043= (NM_001135.4, NM_001411096.1, NM_001411097.1 and 1 more transcripts).
Identifiers: ClinVar variation 3778573 (VCV003778573.7).

ClinVar aggregate classification (germline): Likely benign (1 of 4 stars; one submission).

Submission:

CeGaT Center for Human Genetics Tuebingen
Classification: Likely benign. Last evaluated: 2025-03-01. Review status: criteria provided, single submitter. Criteria: CeGaT Center For Human Genetics Tuebingen Variant Classification Criteria Version 2. Collection method: clinical testing. Allele origin: germline. Affected: yes. Observed: 1 variant allele.
Comment: ACAN: PM2:Supporting, BP4, BP7